The following is an entry in ClinVar:

NM_016204.4(GDF2):c.917G>A (p.Gly306Asp)

Gene: GDF2 (growth differentiation factor 2; plus strand). Cytogenetic location: 10q11.22.
Variant type: single nucleotide variant.
Coding change: c.917G>A on transcript NM_016204.4 (MANE Select); coding-DNA position 917, G replaced by A.
Protein change: p.Gly306Asp; replaces glycine 306 with aspartic acid.
Molecular consequence: missense variant.
Genome position (GRCh38, 1-based): chr10:47,325,411, G>A. VCF-style: chr10-47325411-G-A. GRCh37 (hg19) VCF-style: chr10-48413951-C-T.
Other names: c.917G>A (NM_016204.1); short protein forms G306D.
Identifiers: ClinVar variation 993581 (VCV000993581.19), dbSNP rs145635235, ClinGen allele CA5487993.
Genomic context (GRCh38, chr10:47,325,411, plus strand): 5'-AGCTGTCCAAGGACGGCTCCACAGAGGCAGGTGAGAGCAGTCACGAGGAGGACACGGATG[G>A]CCACGTGGCTGCGGGGTCGACTTTAGCCAGGCGGAAAAGGAGCGCCGGGGCTGGCAGCCA-3'
Protein context (NP_057288.1, residues 296-316): GESSHEEDTD[Gly306Asp]HVAAGSTLAR

ClinVar aggregate classification (germline): Conflicting classifications of pathogenicity. Review status: criteria provided, conflicting classifications (1 of 4 stars). 4 submissions from 4 submitters: Uncertain significance (1); Benign (1); Likely benign (2). Last evaluated 2025-12-17.

Conditions:
Telangiectasia, hereditary hemorrhagic, type 5 (HHT5). Identifiers: Orphanet 774, MedGen C3809710, MONDO:0014217, OMIM 615506.
Cardiovascular phenotype. Identifiers: MedGen CN230736.

Allele frequency attached by ClinVar (database versions not stated): gnomAD exomes 0.00004 and 0.00010; ExAC 0.00009; gnomAD 0.00038; ESP Exome Variant Server 0.00046; TOPMed 0.00056.

Submissions (4):

Ambry Genetics
Classification: Benign for Cardiovascular phenotype. Last evaluated: 2025-12-17. Review status: criteria provided, single submitter. Criteria: Ambry Variant Classification Scheme 2023. Collection method: clinical testing. Allele origin: germline.

Labcorp Genetics (formerly Invitae), Labcorp
Classification: Likely benign for Telangiectasia, hereditary hemorrhagic, type 5. Last evaluated: 2025-09-22. Review status: criteria provided, single submitter. Criteria: Invitae Variant Classification Sherloc (09022015). Collection method: clinical testing. Allele origin: germline.

Blueprint Genetics
Classification: Likely benign. Last evaluated: 2022-08-12. Review status: criteria provided, single submitter. Criteria: ACMG Guidelines, 2015. Collection method: clinical testing. Allele origin: germline.

ARUP Laboratories, Molecular Genetics and Genomics, ARUP Laboratories
Classification: Uncertain significance for Telangiectasia, hereditary hemorrhagic, type 5. Last evaluated: 2019-08-05. Review status: criteria provided, single submitter. Criteria: ARUP Molecular Germline Variant Investigation Process. Collection method: clinical testing. Allele origin: germline.
Comment: The GDF2 c.917G>A; p.Gly306Asp variant (rs145635235), to our knowledge, is not reported in the medical literature or gene specific databases. This variant is found in the general African population with an allele frequency of 0.1% (29/24950 alleles) in the Genome Aggregation Database. The glycine at codon 306 is weakly conserved, and computational analyses (SIFT, PolyPhen-2) predict that this variant is tolerated. However, given the lack of clinical and functional data regarding this variant, its clinical significance is uncertain at this time.